The following is an entry in ClinVar:

NM_014846.4(WASHC5):c.1018C>T (p.Gln340Ter)

Gene: WASHC5 (WASH complex subunit 5; minus strand). Cytogenetic location: 8q24.13.
Variant type: single nucleotide variant.
Coding change: c.1018C>T on transcript NM_014846.4 (MANE Select); coding-DNA position 1018, C replaced by T.
Protein change: p.Gln340Ter; replaces glutamine 340 with a stop codon.
Molecular consequence: nonsense.
Genome position (GRCh38, 1-based): chr8:125,073,285, G>A on the plus strand (C>T on the coding strand, the complement: WASHC5 is on the minus strand). VCF-style: chr8-125073285-G-A. GRCh37 (hg19) VCF-style: chr8-126085527-G-A.
Other names: c.574C>T, p.Gln192Ter (NM_001330609.2); short protein forms Q340*, Q192*.
Identifiers: ClinVar variation 488931 (VCV000488931.2), dbSNP rs1554596260, ClinGen allele CA372194379.

ClinVar aggregate classification (germline): Uncertain significance (1 of 4 stars; one submission).

gnomAD v4.1: 2 of 1,614,002 alleles (0.00012%); highest among the groups gnomAD compares: Non-Finnish European, 0.00017%; no homozygotes.

Submission:

GeneDx
Classification: Uncertain significance. Last evaluated: 2016-08-17. Review status: criteria provided, single submitter. Criteria: GeneDx Variant Classification (06012015). Collection method: clinical testing. Allele origin: germline. Affected: yes.
Comment: The The Q340X variant in the KIAA0196 gene has not been reported previously as a pathogenic variant nor as a benign variant, to our knowledge. This variant is predicted to cause loss of normal protein function either through protein truncation or nonsense-mediated mRNA decay. The Q340X variant was not observed in approximately 6,500 individuals of European and African American ancestry in the NHLBI Exome Sequencing Project, indicating it is not a common benign variant in these populations. We interpret Q340X as a variant of uncertain significance.